The following is an entry in ClinVar:

NM_198578.4(LRRK2):c.5018T>C (p.Leu1673Ser)

Gene: LRRK2 (leucine rich repeat kinase 2; plus strand). Cytogenetic location: 12q12.
Variant type: single nucleotide variant.
Coding change: c.5018T>C on transcript NM_198578.4 (MANE Select); coding-DNA position 5018, T replaced by C.
Protein change: p.Leu1673Ser; replaces leucine 1673 with serine.
Molecular consequence: missense variant.
Genome position (GRCh38, 1-based): chr12:40,321,036, T>C. VCF-style: chr12-40321036-T-C. GRCh37 (hg19) VCF-style: chr12-40714838-T-C.
Other names: short protein forms L1673S.
Identifiers: ClinVar variation 3292035 (VCV003292035.1).

ClinVar aggregate classification (germline): Uncertain significance (1 of 4 stars; one submission).

Conditions:
Inborn genetic diseases. Identifiers: MedGen C0950123, MeSH D030342.

Submission:

Ambry Genetics
Classification: Uncertain significance for Inborn genetic diseases. Last evaluated: 2024-05-25. Review status: criteria provided, single submitter. Criteria: Ambry Variant Classification Scheme 2023. Collection method: clinical testing. Allele origin: germline.
Comment: The p.L1673S variant (also known as c.5018T>C), located in coding exon 35 of the LRRK2 gene, results from a T to C substitution at nucleotide position 5018. The leucine at codon 1673 is replaced by serine, an amino acid with dissimilar properties. This amino acid position is conserved. In addition, this alteration is predicted to be deleterious by in silico analysis. Based on the available evidence, the clinical significance of this variant remains unclear.